The following is an entry in ClinVar:

NM_024675.4(PALB2):c.3288C>A (p.Asn1096Lys)

Gene: PALB2 (partner and localizer of BRCA2; minus strand). Cytogenetic location: 16p12.2.
Variant type: single nucleotide variant.
Coding change: c.3288C>A on transcript NM_024675.4 (MANE Select); coding-DNA position 3288, C replaced by A.
Protein change: p.Asn1096Lys; replaces asparagine 1096 with lysine.
Molecular consequence: missense variant.
Genome position (GRCh38, 1-based): chr16:23,607,926, G>T on the plus strand (C>A on the coding strand, the complement: PALB2 is on the minus strand). VCF-style: chr16-23607926-G-T. GRCh37 (hg19) VCF-style: chr16-23619247-G-T.
Other names: short protein forms N1096K.
Identifiers: ClinVar variation 830201 (VCV000830201.10), dbSNP rs1597066782, ClinGen allele CA395139571.

ClinVar aggregate classification (germline): Uncertain significance. Review status: criteria provided, multiple submitters, no conflicts (2 of 4 stars). 3 submissions from 3 submitters: Uncertain significance (2). 1 of the submissions does not count toward it. Last evaluated 2022-10-25.

Conditions:
Familial cancer of breast. Also called: BREAST CANCER, FAMILIAL; Hereditary breast cancer; hereditary breast carcinoma. Identifiers: Orphanet 227535, MedGen C0346153, MONDO:0016419, OMIM 114480. Disease mechanism: loss of function.
Hereditary cancer-predisposing syndrome. Also called: Hereditary neoplastic syndrome; Neoplastic Syndromes, Hereditary; Tumor predisposition; Hereditary Cancer Syndrome. Identifiers: Orphanet 140162, MedGen C0027672, MeSH D009386, MONDO:0015356.

Submissions (3):

Ambry Genetics
Classification: Uncertain significance for Hereditary cancer-predisposing syndrome. Last evaluated: 2022-10-25. Review status: criteria provided, single submitter. Criteria: Ambry Variant Classification Scheme 2023. Collection method: clinical testing. Allele origin: germline.
Comment: The p.N1096K variant (also known as c.3288C>A), located in coding exon 12 of the PALB2 gene, results from a C to A substitution at nucleotide position 3288. The asparagine at codon 1096 is replaced by lysine, an amino acid with similar properties. This amino acid position is highly conserved in available vertebrate species. In addition, this alteration is predicted to be tolerated by in silico analysis. Since supporting evidence is limited at this time, the clinical significance of this alteration remains unclear.

Labcorp Genetics (formerly Invitae), Labcorp
Classification: Uncertain significance for Familial cancer of breast. Last evaluated: 2021-11-18. Review status: criteria provided, single submitter. Criteria: Invitae Variant Classification Sherloc (09022015). Collection method: clinical testing. Allele origin: germline.
Comment: In summary, the available evidence is currently insufficient to determine the role of this variant in disease. Therefore, it has been classified as a Variant of Uncertain Significance. Algorithms developed to predict the effect of missense changes on protein structure and function are either unavailable or do not agree on the potential impact of this missense change (SIFT: "Deleterious"; PolyPhen-2: "Probably Damaging"; Align-GVGD: "Class C0"). ClinVar contains an entry for this variant (Variation ID: 830201). This missense change has been observed in individual(s) with breast cancer (PMID: 30287823). This variant is not present in population databases (gnomAD no frequency). This sequence change replaces asparagine, which is neutral and polar, with lysine, which is basic and polar, at codon 1096 of the PALB2 protein (p.Asn1096Lys).

Leiden Open Variation Database
Classification: Uncertain significance. Last evaluated: 2018-10-10. Review status: no assertion criteria provided. Collection method: curation. Allele origin: germline. Affected: yes. Not counted in ClinVar's aggregate classification.
Comment: Curators: Marc Tischkowitz, Arleen D. Auerbach. Submitter to LOVD: Yukihide Momozawa.

Literature cited by the submitters: PubMed 30287823 (cited by Labcorp Genetics (formerly Invitae), Labcorp and Leiden Open Variation Database).